The following is an entry in ClinVar:

ClinVar aggregate classification (germline): Uncertain significance. Review status: criteria provided, multiple submitters, no conflicts (2 of 4 stars). 2 submissions from 2 submitters: Uncertain significance (2). Last evaluated 2026-01-05.

Conditions:
Marfan syndrome (MFS). Also called: MARFAN SYNDROME, TYPE I; Marfan syndrome type 1; Marfan's syndrome; FBN1-Related Marfan Syndrome; Marfan syndrome, classic. Identifiers: Orphanet 284963, Orphanet 558, MedGen C0024796, MONDO:0007947, OMIM 154700.
Familial thoracic aortic aneurysm and aortic dissection (TAAD). Also called: Thoracic aortic aneurysms and dissections. Identifiers: Orphanet 91387, MedGen C4707243, MONDO:0019625.

gnomAD v4.1: 3 of 1,613,900 alleles (0.00019%); highest among the groups gnomAD compares: South Asian, 0.0011%; no homozygotes.

Submissions (2):

Labcorp Genetics (formerly Invitae), Labcorp
Classification: Uncertain significance for Marfan syndrome; Familial thoracic aortic aneurysm and aortic dissection. Last evaluated: 2026-01-05. Review status: criteria provided, single submitter. Criteria: Invitae Variant Classification Sherloc (09022015). Collection method: clinical testing. Allele origin: germline.
Comment: This sequence change replaces lysine, which is basic and polar, with arginine, which is basic and polar, at codon 2069 of the FBN1 protein (p.Lys2069Arg). This variant is not present in population databases (gnomAD no frequency). This variant has not been reported in the literature in individuals affected with FBN1-related conditions. ClinVar contains an entry for this variant (Variation ID: 3513526). Invitae Evidence Modeling of protein sequence and biophysical properties (such as structural, functional, and spatial information, amino acid conservation, physicochemical variation, residue mobility, and thermodynamic stability) has been performed for this missense variant. However, the output from this modeling did not meet the statistical confidence thresholds required to predict the impact of this variant on FBN1 protein function. In summary, the available evidence is currently insufficient to determine the role of this variant in disease. Therefore, it has been classified as a Variant of Uncertain Significance.

Ambry Genetics
Classification: Uncertain significance for Familial thoracic aortic aneurysm and aortic dissection. Last evaluated: 2024-08-01. Review status: criteria provided, single submitter. Criteria: Ambry Variant Classification Scheme 2023. Collection method: clinical testing. Allele origin: germline.
Comment: The p.K2069R variant (also known as c.6206A>G), located in coding exon 50 of the FBN1 gene, results from an A to G substitution at nucleotide position 6206. The lysine at codon 2069 is replaced by arginine, an amino acid with highly similar properties. This amino acid position is not well conserved in available vertebrate species. In addition, the in silico prediction for this alteration is inconclusive. Based on the available evidence, the clinical significance of this variant remains unclear.

NM_000138.5(FBN1):c.6206A>G (p.Lys2069Arg)

Gene: FBN1 (fibrillin 1; minus strand). Cytogenetic location: 15q21.1.
Variant type: single nucleotide variant.
Coding change: c.6206A>G on transcript NM_000138.5 (MANE Select); coding-DNA position 6206, A replaced by G.
Protein change: p.Lys2069Arg; replaces lysine 2069 with arginine.
Molecular consequence: missense variant.
Genome position (GRCh38, 1-based): chr15:48,437,875, T>C on the plus strand (A>G on the coding strand, the complement: FBN1 is on the minus strand). VCF-style: chr15-48437875-T-C. GRCh37 (hg19) VCF-style: chr15-48730072-T-C.
Other names: c.6206A>G, p.Lys2069Arg (NM_001406716.1); short protein forms K2069R.
Identifiers: ClinVar variation 3513526 (VCV003513526.2).